The following is an entry in ClinVar:

NM_001172509.2(SATB2):c.1084C>G (p.Pro362Ala)

Gene: SATB2 (SATB homeobox 2; minus strand). Cytogenetic location: 2q33.1.
Variant type: single nucleotide variant.
Coding change: c.1084C>G on transcript NM_001172509.2 (MANE Select); coding-DNA position 1084, C replaced by G.
Protein change: p.Pro362Ala; replaces proline 362 with alanine.
Molecular consequence: missense variant.
Genome position (GRCh38, 1-based): chr2:199,348,790, G>C on the plus strand (C>G on the coding strand, the complement: SATB2 is on the minus strand). VCF-style: chr2-199348790-G-C. GRCh37 (hg19) VCF-style: chr2-200213513-G-C.
Other names: c.1084C>G, p.Pro362Ala (NM_001172517.1, NM_015265.4); short protein forms P362A.
Identifiers: ClinVar variation 2630929 (VCV002630929.1), dbSNP rs369487539, ClinGen allele CA2045971.
Genomic context (GRCh38, chr2:199,348,790, plus strand): 5'-AGACAGCTTGGGACACACTGGCCCTCTTCAGCTCATCTCTGACTTGCTGGTAGATATCTG[G>C]AGAGACTTCCACGGAAGAGTTGGTTGGCTCTGGCTTAACTGCTCTGGGGATGGGTGGATG-3'
Protein context (NP_001165980.1, residues 352-372): EPTNSSVEVS[Pro362Ala]DIYQQVRDEL

ClinVar aggregate classification (germline): Uncertain significance (1 of 4 stars; one submission).

Conditions:
SATB2-related disorder. Also called: SATB2-related condition.

Allele frequency attached by ClinVar (database versions not stated): gnomAD exomes below 0.00001; TOPMed below 0.00001; ExAC 0.00001; gnomAD 0.00001; ESP Exome Variant Server 0.00008.
gnomAD v4.1: 3 of 1,610,892 alleles (0.00019%); highest among the groups gnomAD compares: African/African-American, 0.0027%; no homozygotes.

Submission:

PreventionGenetics, part of Exact Sciences
Classification: Uncertain significance for SATB2-related condition. Last evaluated: 2023-09-12. Review status: criteria provided, single submitter. Criteria: ACMG Guidelines, 2015. Collection method: clinical testing. Allele origin: germline.
Comment: The SATB2 c.1084C>G variant is predicted to result in the amino acid substitution p.Pro362Ala. To our knowledge, this variant has not been reported in the literature. This variant is reported in 0.0062% of alleles in individuals of African descent in gnomAD. At this time, the clinical significance of this variant is uncertain due to the absence of conclusive functional and genetic evidence.